The following is an entry in ClinVar:

NM_002485.5(NBN):c.2227_2228del (p.Leu743fs)

Gene: NBN (nibrin; minus strand). Cytogenetic location: 8q21.3.
Variant type: Deletion.
Coding change: c.2227_2228del on transcript NM_002485.5 (MANE Select); coding-DNA positions 2227 to 2228, 2 bases deleted (CT; older notation c.2227_2228delCT).
Protein change: p.Leu743fs; shifts the reading frame from leucine 743.
Molecular consequence: frameshift variant.
Genome position (GRCh38, 1-based): chr8:89,937,032-89,937,033, AG deleted on the plus strand (CT on the coding strand, the reverse complement: NBN is on the minus strand); deleting any 2 consecutive bases within chr8:89,937,032-89,937,034 gives the same sequence; the c. name uses the placement nearest the transcript's 3' end. VCF-style (leftmost placement, unchanged base first): chr8-89937031-AAG-A. GRCh37 (hg19) VCF-style: chr8-90949259-AAG-A.
Other names: c.2227_2228delCT (NM_002485.4); c.1981_1982del, p.Leu661fs (NM_001024688.3); short protein forms L661fs, L743fs.
Identifiers: ClinVar variation 232093 (VCV000232093.11), dbSNP rs876659551, ClinGen allele CA10578740.

ClinVar aggregate classification (germline): Uncertain significance. Review status: criteria provided, multiple submitters, no conflicts (2 of 4 stars). 4 submissions from 4 submitters: Uncertain significance (3). 1 of the submissions does not count toward it. Last evaluated 2023-04-26.

Conditions:
Hereditary cancer-predisposing syndrome. Also called: Hereditary Cancer Syndrome; Neoplastic Syndromes, Hereditary; Tumor predisposition; Hereditary neoplastic syndrome. Identifiers: Orphanet 140162, MedGen C0027672, MeSH D009386, MONDO:0015356.
Microcephaly, normal intelligence and immunodeficiency (NBS). Also called: BERLIN BREAKAGE SYNDROME; Ataxia telangiectasia variant V1; IMMUNODEFICIENCY, MICROCEPHALY, AND CHROMOSOMAL INSTABILITY; SEEMANOVA SYNDROME II; Nijmegen breakage syndrome; Microcephaly with normal intelligence immunodeficiency and lymphoreticular malignancies. Identifiers: Orphanet 647, MedGen C0398791, MONDO:0009623, OMIM 251260.

Submissions (4):

Ambry Genetics
Classification: Uncertain significance for Hereditary cancer-predisposing syndrome. Last evaluated: 2023-04-26. Review status: criteria provided, single submitter. Criteria: Ambry Variant Classification Scheme 2023. Collection method: clinical testing. Allele origin: germline.
Comment: The c.2227_2228delCT variant, located in coding exon 15 of the NBN gene, results from a deletion of two nucleotides at nucleotide positions 2227 to 2228, causing a translational frameshift with a predicted alternate stop codon (p.L743Ffs*2). This alteration occurs at the 3' terminus of theNBN gene, is not expected to trigger nonsense-mediated mRNAdecay, and only impacts the last 12 amino acids of the protein. The exact functional effect of this alteration is unknown. Since supporting evidence is limited at this time, the clinical significance of this alteration remains unclear.

Labcorp Genetics (formerly Invitae), Labcorp
Classification: Uncertain significance for Microcephaly, normal intelligence and immunodeficiency. Last evaluated: 2022-09-13. Review status: criteria provided, single submitter. Criteria: Invitae Variant Classification Sherloc (09022015). Collection method: clinical testing. Allele origin: germline.
Comment: This sequence change creates a premature translational stop signal (p.Leu743Phefs*2) in the NBN gene. While this is not anticipated to result in nonsense mediated decay, it is expected to disrupt the last 12 amino acid(s) of the NBN protein. This variant is present in population databases (no rsID available, gnomAD 0.0009%). This premature translational stop signal has been observed in individual(s) with uveal melanoma (PMID: 29625052). ClinVar contains an entry for this variant (Variation ID: 232093). Algorithms developed to predict the effect of variants on protein structure and function are not available or were not evaluated for this variant. Experimental studies have shown that this premature translational stop signal affects NBN function (PMID: 15758953). In summary, the available evidence is currently insufficient to determine the role of this variant in disease. Therefore, it has been classified as a Variant of Uncertain Significance.

Genome-Nilou Lab
Classification: Uncertain significance for Microcephaly, normal intelligence and immunodeficiency. Last evaluated: 2021-11-07. Review status: criteria provided, single submitter. Criteria: ACMG Guidelines, 2015. Collection method: clinical testing. Allele origin: germline. Affected: no.

Counsyl
Classification: Uncertain significance for Microcephaly, normal intelligence and immunodeficiency. Last evaluated: 2017-03-21. Review status: no assertion criteria provided. Collection method: clinical testing. Allele origin: unknown. Not counted in ClinVar's aggregate classification.

Literature cited by the submitters: PubMed 29625052 (cited by Labcorp Genetics (formerly Invitae), Labcorp); PubMed 15758953 (cited by Labcorp Genetics (formerly Invitae), Labcorp).